The following is an entry in ClinVar:

NM_024312.5(GNPTAB):c.1A>T (p.Met1Leu)

Gene: GNPTAB (N-acetylglucosamine-1-phosphate transferase subunits alpha and beta; minus strand). Cytogenetic location: 12q23.2.
Variant type: single nucleotide variant.
Coding change: c.1A>T on transcript NM_024312.5 (MANE Select); coding-DNA position 1, A replaced by T.
Protein change: p.Met1Leu; changes the start codon (methionine 1).
Molecular consequence: missense variant, initiator codon variant.
Genome position (GRCh38, 1-based): chr12:101,830,675, T>A on the plus strand (A>T on the coding strand, the complement: GNPTAB is on the minus strand). VCF-style: chr12-101830675-T-A. GRCh37 (hg19) VCF-style: chr12-102224453-T-A.
Other names: short protein forms M1L.
Identifiers: ClinVar variation 3753274 (VCV003753274.3).

ClinVar aggregate classification (germline): Pathogenic/Likely pathogenic. Review status: criteria provided, multiple submitters, no conflicts (2 of 4 stars). 2 submissions from 2 submitters: Pathogenic (1); Likely pathogenic (1). Last evaluated 2024-03-14.

Conditions:
Mucolipidosis type II. Also called: Mucolipidosis II Alpha/Beta; ML II ALPHA/BETA; Mucolipidosis 2; ML 2; Inclusion cell disease; Leroy Disease. Identifiers: Orphanet 576, MedGen C2673377, MONDO:0009650, OMIM 252500.
Pseudo-Hurler polydystrophy. Also called: ML III; ML III ALPHA/BETA; Type III Mucolipidosis; ML IIIA; Mucolipidosis III Alpha/Beta; MUCOLIPIDOSIS IIIA. Identifiers: Orphanet 423461, Orphanet 577, MedGen C0033788, MONDO:0018931, OMIM 252600.

Submissions (2):

Labcorp Genetics (formerly Invitae), Labcorp
Classification: Pathogenic for Pseudo-Hurler polydystrophy; Mucolipidosis type II. Last evaluated: 2024-03-14. Review status: criteria provided, single submitter. Criteria: Invitae Variant Classification Sherloc (09022015). Collection method: clinical testing. Allele origin: germline.
Comment: This sequence change affects the initiator methionine of the GNPTAB mRNA. The next in-frame methionine is located at codon 73. This variant is present in population databases (no rsID available, gnomAD 0.006%). Disruption of the initiator codon has been observed in individual(s) with mucolipidosis (PMID: 30882951). This variant disrupts a region of the GNPTAB protein in which other variant(s) (p.Lys4Gln) have been determined to be pathogenic (PMID: 24045841). This suggests that this is a clinically significant region of the protein, and that variants that disrupt it are likely to be disease-causing. For these reasons, this variant has been classified as Pathogenic.

Revvity Omics, Revvity
Classification: Likely pathogenic. Last evaluated: 2023-12-07. Review status: criteria provided, single submitter. Criteria: ACMG Guidelines, 2015. Collection method: clinical testing. Allele origin: germline.

Literature cited by the submitters: PubMed 30882951 (cited by Labcorp Genetics (formerly Invitae), Labcorp); PubMed 24045841 (cited by Labcorp Genetics (formerly Invitae), Labcorp).